The following is an entry in ClinVar:

NM_004519.4(KCNQ3):c.883G>A (p.Glu295Lys)

Gene: KCNQ3 (potassium voltage-gated channel subfamily Q member 3; minus strand). Cytogenetic location: 8q24.22.
Variant type: single nucleotide variant.
Coding change: c.883G>A on transcript NM_004519.4 (MANE Select); coding-DNA position 883, G replaced by A.
Protein change: p.Glu295Lys; replaces glutamic acid 295 with lysine.
Molecular consequence: missense variant.
Genome position (GRCh38, 1-based): chr8:132,175,503, C>T on the plus strand (G>A on the coding strand, the complement: KCNQ3 is on the minus strand). VCF-style: chr8-132175503-C-T. GRCh37 (hg19) VCF-style: chr8-133187750-C-T.
Other names: c.523G>A, p.Glu175Lys (NM_001204824.2); short protein forms E175K, E295K.
Identifiers: ClinVar variation 2420107 (VCV002420107.6), dbSNP rs750997381, ClinGen allele CA372290406.

ClinVar aggregate classification (germline): Uncertain significance (1 of 4 stars; one submission).

Conditions:
Benign neonatal seizures. Also called: Benign familial neonatal seizures; Benign familial neonatal epilepsy; Convulsions benign familial neonatal dominant form; Autosomal dominant form of benign neonatal seizures; Benign neonatal familial convulsions. Identifiers: Orphanet 1949, MedGen C0220669, MONDO:0016027.

Submission:

Labcorp Genetics (formerly Invitae), Labcorp
Classification: Uncertain significance for Benign neonatal seizures. Last evaluated: 2023-12-19. Review status: criteria provided, single submitter. Criteria: Invitae Variant Classification Sherloc (09022015). Collection method: clinical testing. Allele origin: germline.
Comment: This sequence change replaces glutamic acid, which is acidic and polar, with lysine, which is basic and polar, at codon 295 of the KCNQ3 protein (p.Glu295Lys). This variant is not present in population databases (gnomAD no frequency). This variant has not been reported in the literature in individuals affected with KCNQ3-related conditions. ClinVar contains an entry for this variant (Variation ID: 2420107). Advanced modeling of protein sequence and biophysical properties (such as structural, functional, and spatial information, amino acid conservation, physicochemical variation, residue mobility, and thermodynamic stability) has been performed at Invitae for this missense variant, however the output from this modeling did not meet the statistical confidence thresholds required to predict the impact of this variant on KCNQ3 protein function. In summary, the available evidence is currently insufficient to determine the role of this variant in disease. Therefore, it has been classified as a Variant of Uncertain Significance.